The following is an entry in ClinVar:

ClinVar aggregate classification (germline): Uncertain significance. Review status: criteria provided, multiple submitters, no conflicts (2 of 4 stars). 4 submissions from 4 submitters: Uncertain significance (2). 2 of the submissions do not count toward it. Last evaluated 2022-07-12.

Conditions:
Citrullinemia. Identifiers: Orphanet 187, MedGen C0175683, MONDO:0015991.
SLC25A13-related disorder. Also called: SLC25A13-related condition.
Citrin deficiency. Identifiers: Orphanet 247582, MedGen C1997910, MONDO:0016602.

Allele frequency attached by ClinVar (database versions not stated): gnomAD exomes 0.00004 and 0.00010; ExAC 0.00015; ESP Exome Variant Server 0.00031; gnomAD 0.00047 and 0.00052; TOPMed 0.00059; 1000 Genomes Project 30x 0.00078; 1000 Genomes Project 0.00080.
gnomAD v4.1: 138 of 1,614,024 alleles (0.0086%); highest among the groups gnomAD compares: African/African-American, 0.17%; no homozygotes.

Submissions (4):

Labcorp Genetics (formerly Invitae), Labcorp
Classification: Uncertain significance for Citrin deficiency. Last evaluated: 2022-07-12. Review status: criteria provided, single submitter. Criteria: Invitae Variant Classification Sherloc (09022015). Collection method: clinical testing. Allele origin: germline.
Comment: This sequence change replaces proline, which is neutral and non-polar, with serine, which is neutral and polar, at codon 540 of the SLC25A13 protein (p.Pro540Ser). This variant is present in population databases (rs75622628, gnomAD 0.2%). This variant has not been reported in the literature in individuals affected with SLC25A13-related conditions. ClinVar contains an entry for this variant (Variation ID: 501902). Advanced modeling of protein sequence and biophysical properties (such as structural, functional, and spatial information, amino acid conservation, physicochemical variation, residue mobility, and thermodynamic stability) performed at Invitae indicates that this missense variant is expected to disrupt SLC25A13 protein function. In summary, the available evidence is currently insufficient to determine the role of this variant in disease. Therefore, it has been classified as a Variant of Uncertain Significance.

Eurofins Ntd Llc (ga)
Classification: Uncertain significance. Last evaluated: 2017-05-05. Review status: criteria provided, single submitter. Criteria: EGL Classification Definitions 2015. Collection method: clinical testing. Allele origin: germline. Observed: 3 variant alleles, 3 heterozygotes.

PreventionGenetics, part of Exact Sciences
Classification: Likely benign for SLC25A13-related condition. Last evaluated: 2022-05-05. Review status: no assertion criteria provided. Collection method: clinical testing. Allele origin: germline. Not counted in ClinVar's aggregate classification.
Comment: This variant is classified as likely benign based on ACMG/AMP sequence variant interpretation guidelines (Richards et al. 2015 PMID: 25741868, with internal and published modifications).

Natera, Inc.
Classification: Uncertain significance for Citrullinemia. Last evaluated: 2019-11-11. Review status: no assertion criteria provided. Collection method: clinical testing. Allele origin: germline. Not counted in ClinVar's aggregate classification.

NM_014251.3(SLC25A13):c.1618C>T (p.Pro540Ser)

Gene: SLC25A13 (solute carrier family 25 member 13; minus strand). Cytogenetic location: 7q21.3.
Variant type: single nucleotide variant.
Coding change: c.1618C>T on transcript NM_014251.3 (MANE Select); coding-DNA position 1618, C replaced by T.
Protein change: p.Pro540Ser; replaces proline 540 with serine.
Molecular consequence: missense variant. On other transcripts: non-coding transcript variant (1).
Genome position (GRCh38, 1-based): chr7:96,121,971, G>A on the plus strand (C>T on the coding strand, the complement: SLC25A13 is on the minus strand). VCF-style: chr7-96121971-G-A. GRCh37 (hg19) VCF-style: chr7-95751283-G-A.
Other names: c.1621C>T, p.Pro541Ser (NM_001160210.2); short protein forms P540S, P541S.
Identifiers: ClinVar variation 501902 (VCV000501902.10), dbSNP rs75622628, ClinGen allele CA4352843.